The following is an entry in ClinVar:

ClinVar aggregate classification (germline): Benign/Likely benign. Review status: criteria provided, multiple submitters, no conflicts (2 of 4 stars). 6 submissions from 6 submitters: Benign (1); Likely benign (3). 2 of the submissions do not count toward it. Last evaluated 2026-01-25.

Allele frequency attached by ClinVar (database versions not stated): gnomAD exomes 0.00025 and 0.00061; ExAC 0.00080; 1000 Genomes Project 30x 0.00250; gnomAD 0.00274 and 0.00299; 1000 Genomes Project 0.00280; TOPMed 0.00321.
gnomAD v4.1: 782 of 1,551,188 alleles (0.05%); highest among the groups gnomAD compares: African/African-American, 0.94%; 2 homozygotes.

Submissions (6):

Labcorp Genetics (formerly Invitae), Labcorp
Classification: Benign. Last evaluated: 2026-01-25. Review status: criteria provided, single submitter. Criteria: Invitae Variant Classification Sherloc (09022015). Collection method: clinical testing. Allele origin: germline.

CeGaT Center for Human Genetics Tuebingen
Classification: Likely benign. Last evaluated: 2025-03-01. Review status: criteria provided, single submitter. Criteria: CeGaT Center For Human Genetics Tuebingen Variant Classification Criteria Version 2. Collection method: clinical testing. Allele origin: germline. Affected: yes. Observed: 1 variant allele.
Comment: CPLANE1: BP4, BP7

Blueprint Genetics
Classification: Likely benign. Last evaluated: 2024-10-22. Review status: criteria provided, single submitter. Criteria: ACMG Guidelines, 2015. Collection method: clinical testing. Allele origin: germline.

GeneDx
Classification: Likely benign. Last evaluated: 2021-09-10. Review status: criteria provided, single submitter. Criteria: GeneDx Variant Classification Process June 2021. Collection method: clinical testing. Allele origin: germline. Affected: yes.

Clinical Genetics DNA and cytogenetics Diagnostics Lab, Erasmus MC, Erasmus Medical Center
Classification: Likely benign. Review status: no assertion criteria provided. Collection method: clinical testing. Allele origin: germline. Affected: yes. Study: VKGL Data-share Consensus. Not counted in ClinVar's aggregate classification.

Clinical Genetics, Academic Medical Center
Classification: Benign. Review status: no assertion criteria provided. Collection method: clinical testing. Allele origin: germline. Affected: yes. Study: VKGL Data-share Consensus. Not counted in ClinVar's aggregate classification.

NM_001384732.1(CPLANE1):c.1173T>G (p.Ala391=)

Gene: CPLANE1 (ciliogenesis and planar polarity effector complex subunit 1; minus strand). Cytogenetic location: 5p13.2.
Variant type: single nucleotide variant.
Coding change: c.1173T>G on transcript NM_001384732.1 (MANE Select); coding-DNA position 1173, T replaced by G.
Protein change: p.Ala391=; no amino-acid change (alanine 391 retained).
Molecular consequence: synonymous variant.
Genome position (GRCh38, 1-based): chr5:37,227,766, A>C on the plus strand (T>G on the coding strand, the complement: CPLANE1 is on the minus strand). VCF-style: chr5-37227766-A-C. GRCh37 (hg19) VCF-style: chr5-37227868-A-C.
Other names: c.1173T>G, p.Ala391= (NM_023073.4).
Identifiers: ClinVar variation 511941 (VCV000511941.25), dbSNP rs61733482, ClinGen allele CA3239124.